The following is an entry in ClinVar:

NM_000392.5(ABCC2):c.1621C>T (p.Gln541Ter)

Gene: ABCC2 (ATP binding cassette subfamily C member 2; plus strand). Cytogenetic location: 10q24.2.
Variant type: single nucleotide variant.
Coding change: c.1621C>T on transcript NM_000392.5 (MANE Select); coding-DNA position 1621, C replaced by T.
Protein change: p.Gln541Ter; replaces glutamine 541 with a stop codon.
Molecular consequence: nonsense.
Genome position (GRCh38, 1-based): chr10:99,807,474, C>T. VCF-style: chr10-99807474-C-T. GRCh37 (hg19) VCF-style: chr10-101567231-C-T.
Other names: c.1621C>T (NM_000392.4); short protein forms Q541*.
Identifiers: ClinVar variation 2999439 (VCV002999439.5), dbSNP rs903690171, ClinGen allele CA212837487.
Genomic context (GRCh38, chr10:99,807,474, plus strand): 5'-TTCAGAGACCAAGTACAAAACCTCCGGAAGAAAGAGCTCAAGAACCTGCTGGCCTTTAGT[C>T]AACTACAGTGTGTAGTAATATTCGTCTTCCAGTTAACTCCAGTCCTGGTGAGTAGCAGAG-3'

ClinVar aggregate classification (germline): Pathogenic/Likely pathogenic. Review status: criteria provided, multiple submitters, no conflicts (2 of 4 stars). 3 submissions from 3 submitters: Pathogenic (1); Likely pathogenic (2). Last evaluated 2025-02-17.

Conditions:
Dubin-Johnson syndrome (DJS). Also called: HYPERBILIRUBINEMIA, DUBIN-JOHNSON TYPE; Jaundice, Chronic Idiopathic; Hyperbilirubinemia type 2. Identifiers: Orphanet 234, MedGen C0022350, MONDO:0009380, OMIM 237500.
ABCC2-related disorder. Also called: ABCC2-related condition.

Allele frequency attached by ClinVar (database versions not stated): gnomAD exomes below 0.00001.

Submissions (3):

PreventionGenetics, part of Exact Sciences
Classification: Likely pathogenic for ABCC2-related condition. Last evaluated: 2025-02-17. Review status: criteria provided, single submitter. Criteria: ACMG Guidelines, 2015. Collection method: clinical testing. Allele origin: germline.
Comment: The ABCC2 c.1621C>T variant is predicted to result in premature protein termination (p.Gln541*). To our knowledge, this variant has not been reported in the literature. This variant is reported in 0.0058% of alleles in individuals of Latino descent in gnomAD. Nonsense variants in ABCC2 are expected to be pathogenic. This variant is interpreted as likely pathogenic.

Fulgent Genetics
Classification: Likely pathogenic for Dubin-Johnson syndrome. Last evaluated: 2024-04-06. Review status: criteria provided, single submitter. Criteria: ACMG Guidelines, 2015. Collection method: clinical testing. Allele origin: germline.

Labcorp Genetics (formerly Invitae), Labcorp
Classification: Pathogenic. Last evaluated: 2023-06-30. Review status: criteria provided, single submitter. Criteria: Invitae Variant Classification Sherloc (09022015). Collection method: clinical testing. Allele origin: germline.
Comment: This sequence change creates a premature translational stop signal (p.Gln541*) in the ABCC2 gene. It is expected to result in an absent or disrupted protein product. Loss-of-function variants in ABCC2 are known to be pathogenic (PMID: 9185779, 16549534, 16952291). This variant is present in population databases (no rsID available, gnomAD 0.006%). This variant has not been reported in the literature in individuals affected with ABCC2-related conditions. For these reasons, this variant has been classified as Pathogenic.

Literature cited by the submitters: PubMed 9185779 (cited by Labcorp Genetics (formerly Invitae), Labcorp); PubMed 16549534 (cited by Labcorp Genetics (formerly Invitae), Labcorp); PubMed 16952291 (cited by Labcorp Genetics (formerly Invitae), Labcorp).